The following is an entry in ClinVar:

ClinVar aggregate classification (germline): Pathogenic. Review status: reviewed by expert panel (3 of 4 stars). 4 submissions from 4 submitters: Pathogenic (1). 3 of the submissions do not count toward it. Last evaluated 2023-10-15.

Conditions:
Phenylketonuria (PKU). Also called: OLIGOPHRENIA PHENYLPYRUVICA; Phenylketonurias; FOLLING DISEASE; Phenylketonuria (PKU). Identifiers: Orphanet 716, MedGen C0031485, MONDO:0009861, OMIM 261600. Disease mechanism: loss of function.

Submissions (4):

ClinGen PAH Variant Curation Expert Panel
Classification: Pathogenic for Phenylketonuria. Last evaluated: 2023-10-15. Review status: reviewed by expert panel. Criteria: ClinGen PAH ACMG Specifications v1. Collection method: curation. Allele origin: germline. Inheritance: Autosomal recessive inheritance.
Comment: The c.910C>T (p.Gln304Ter) variant in PAH has been reported in at least 1 individual with PKU however without indication of the genotype (BH4 deficiency not ruled out) (PMID: 23357515) . This variant occurs in exon 8 of 13 of PAH, a gene where loss of function is a known disease mechanism, and is predicted to result in a truncated protein (with truncation of >10% of the encoded protein) or mRNA subject to nonsense-mediated decay. The c.910C>T variant is absent from gnomAD and the ESP population databases. Based on available information, this variant is considered to be pathogenic. PAH-specific ACMG/AMP criteria applied: PVS1, PM2_supporting, PP4.

Baylor Genetics
Classification: Pathogenic for Phenylketonuria. Last evaluated: 2023-08-25. Review status: criteria provided, single submitter. Criteria: ACMG Guidelines, 2015. Collection method: clinical testing. Allele origin: unknown. Not counted in ClinVar's aggregate classification.

Women's Health and Genetics/Laboratory Corporation of America, LabCorp
Classification: Pathogenic for Phenylketonuria. Last evaluated: 2020-06-28. Review status: criteria provided, single submitter. Criteria: LabCorp Variant Classification Summary - May 2015. Collection method: clinical testing. Allele origin: germline. Not counted in ClinVar's aggregate classification.
Comment: Variant summary: PAH c.910C>T (p.Gln304X) results in a premature termination codon, predicted to cause a truncation of the encoded protein or absence of the protein due to nonsense mediated decay, which are commonly known mechanisms for disease. Truncations downstream of this position have been classified as pathogenic by our laboratory. The variant was absent in 250994 control chromosomes. c.910C>T has been reported in the literature in at-least one individual affected with Phenylalanine Hydroxylase Deficiency, in locus specific database and subsequently cited by others (example, Reblova_2013, Wettstein_2015, Yan_2019). To our knowledge, no experimental evidence demonstrating an impact on protein function has been reported. One clinical diagnostic laboratory has submitted clinical-significance assessments for this variant to ClinVar after 2014 without evidence for independent evaluation and classified the variant as likely pathogenic. Based on the evidence outlined above, the variant was classified as pathogenic.

Counsyl
Classification: Likely pathogenic for Phenylketonuria. Last evaluated: 2018-05-01. Review status: no assertion criteria provided. Collection method: clinical testing. Allele origin: unknown. Not counted in ClinVar's aggregate classification.

Literature cited by the submitters: PubMed 23357515 (cited by Women's Health and Genetics/Laboratory Corporation of America, LabCorp and Counsyl); PubMed 24939588 (cited by Women's Health and Genetics/Laboratory Corporation of America, LabCorp); PubMed 30747360 (cited by Women's Health and Genetics/Laboratory Corporation of America, LabCorp).

NM_000277.3(PAH):c.910C>T (p.Gln304Ter)

Genes: PAH (phenylalanine hydroxylase; minus strand), LOC126861615 (CDK7 strongly-dependent group 2 enhancer GRCh37_chr12:103244689-103245888; plus strand). Cytogenetic location: 12q23.2.
Variant type: single nucleotide variant.
Coding change: c.910C>T on transcript NM_000277.3 (MANE Select); coding-DNA position 910, C replaced by T.
Protein change: p.Gln304Ter; replaces glutamine 304 with a stop codon.
Molecular consequence: nonsense.
Genome position (GRCh38, 1-based): chr12:102,851,689, G>A on the plus strand (C>T on the coding strand, the complement: PAH is on the minus strand). VCF-style: chr12-102851689-G-A. GRCh37 (hg19) VCF-style: chr12-103245467-G-A.
Other names: NM_000277.2(PAH):c.910C>T; p.Gln304Ter; c.910C>T, p.Gln304Ter (NM_001354304.2); short protein forms Q304*.
Identifiers: ClinVar variation 558132 (VCV000558132.4), dbSNP rs1555204295, ClinGen allele CA16020892.